The following is an entry in ClinVar:

ClinVar aggregate classification (germline): Pathogenic (1 of 4 stars; one submission).

Conditions:
Biotin-responsive basal ganglia disease (BTBGD). Also called: Thiamine metabolism dysfunction syndrome 2 (biotin- or thiamine-responsive encephalopathy type 2); Thiamine metabolism dysfunction syndrome type 2; Thiamine Transporter-2 Deficiency; thiamine-responsive encephalopathy; THIAMINE METABOLISM DYSFUNCTION SYNDROME 2 (BIOTIN- AND THIAMINE-RESPONSIVE TYPE). Identifiers: Orphanet 199348, Orphanet 65284, MedGen C1843807, MONDO:0011841, OMIM 607483.

Submission:

Myriad Genetics, Inc.
Classification: Pathogenic for Biotin-responsive basal ganglia disease. Last evaluated: 2025-05-17. Review status: criteria provided, single submitter. Criteria: Myriad Autosomal Dominant, Autosomal Recessive and X-Linked Classification Criteria (2023). Collection method: clinical testing. Allele origin: unknown.
Comment: NM_025243.3(SLC19A3):c.629C>A(S210*) is expected to be pathogenic in the context of biotin-thiamine-responsive basal ganglia disease. This variant is predicted to lead to an abnormal or absent protein product due to the creation of a premature termination codon in SLC19A3, a gene where loss-of-function variants are known to be pathogenic. Please note: this variant was assessed in the context of healthy population screening.

NM_025243.4(SLC19A3):c.629C>A (p.Ser210Ter)

Gene: SLC19A3 (solute carrier family 19 member 3; minus strand). Cytogenetic location: 2q36.3.
Variant type: single nucleotide variant.
Coding change: c.629C>A on transcript NM_025243.4 (MANE Select); coding-DNA position 629, C replaced by A.
Protein change: p.Ser210Ter; replaces serine 210 with a stop codon.
Molecular consequence: nonsense.
Genome position (GRCh38, 1-based): chr2:227,699,086, G>T on the plus strand (C>A on the coding strand, the complement: SLC19A3 is on the minus strand). VCF-style: chr2-227699086-G-T. GRCh37 (hg19) VCF-style: chr2-228563802-G-T.
Other names: c.629C>A, p.Ser210Ter (NM_001371411.1, NM_001371412.1); c.617C>A, p.Ser206Ter (NM_001371413.1, NM_001371414.1); short protein forms S206*, S210*.
Identifiers: ClinVar variation 5014465 (VCV005014465.1).